The following is an entry in ClinVar:

ClinVar aggregate classification (germline): Uncertain significance. Review status: criteria provided, multiple submitters, no conflicts (2 of 4 stars). 2 submissions from 2 submitters: Uncertain significance (2). Last evaluated 2022-06-30.

Conditions:
Cohen syndrome (COH1). Also called: Cutis verticis gyrata, retinitis pigmentosa, and sensorineural deafness; PEPPER SYNDROME. Identifiers: Orphanet 193, MedGen C0265223, MONDO:0008999, OMIM 216550.

gnomAD v4.1: 2 of 1,613,982 alleles (0.00012%); highest among the groups gnomAD compares: Non-Finnish European, 0.00017%; no homozygotes.

Submissions (2):

Labcorp Genetics (formerly Invitae), Labcorp
Classification: Uncertain significance for Cohen syndrome. Last evaluated: 2022-06-30. Review status: criteria provided, single submitter. Criteria: Invitae Variant Classification Sherloc (09022015). Collection method: clinical testing. Allele origin: germline.
Comment: This sequence change replaces isoleucine, which is neutral and non-polar, with valine, which is neutral and non-polar, at codon 3232 of the VPS13B protein (p.Ile3232Val). This variant is not present in population databases (gnomAD no frequency). This variant has not been reported in the literature in individuals affected with VPS13B-related conditions. Algorithms developed to predict the effect of missense changes on protein structure and function output the following: SIFT: "Not Available"; PolyPhen-2: "Benign"; Align-GVGD: "Not Available". The valine amino acid residue is found in multiple mammalian species, which suggests that this missense change does not adversely affect protein function. In summary, the available evidence is currently insufficient to determine the role of this variant in disease. Therefore, it has been classified as a Variant of Uncertain Significance.

CeGaT Center for Human Genetics Tuebingen
Classification: Uncertain significance. Last evaluated: 2022-03-01. Review status: criteria provided, single submitter. Criteria: CeGaT Center For Human Genetics Tuebingen Variant Classification Criteria Version 2. Collection method: clinical testing. Allele origin: germline. Affected: yes. Observed: 1 variant allele.
Comment: VPS13B: PM2, BP4

NM_152564.5(VPS13B):c.9619A>G (p.Ile3207Val)

Gene: VPS13B (vacuolar protein sorting 13 homolog B; plus strand). Cytogenetic location: 8q22.2.
Variant type: single nucleotide variant.
Coding change: c.9619A>G on transcript NM_152564.5 (MANE Select); coding-DNA position 9619, A replaced by G.
Protein change: p.Ile3207Val; replaces isoleucine 3207 with valine.
Molecular consequence: missense variant.
Genome position (GRCh38, 1-based): chr8:99,835,201, A>G. VCF-style: chr8-99835201-A-G. GRCh37 (hg19) VCF-style: chr8-100847429-A-G.
Other names: c.9694A>G, p.Ile3232Val (NM_017890.5); short protein forms I3207V, I3232V.
Identifiers: ClinVar variation 2056868 (VCV002056868.25), dbSNP rs1489103184, ClinGen allele CA371782363.